The following is an entry in ClinVar:

NM_000049.4(ASPA):c.527-1G>C

Genes: ASPA (aspartoacylase; plus strand), SPATA22 (spermatogenesis associated 22; minus strand). Cytogenetic location: 17p13.2.
Variant type: single nucleotide variant.
Coding change: c.527-1G>C on transcript NM_000049.4 (MANE Select); the canonical splice acceptor site of the intron before coding-DNA position 527, G replaced by C.
Molecular consequence: splice acceptor variant. On other transcripts: intron variant (2).
Genome position (GRCh38, 1-based): chr17:3,489,234, G>C. VCF-style: chr17-3489234-G-C. GRCh37 (hg19) VCF-style: chr17-3392528-G-C.
Other names: c.-73-19836C>G (NM_001321336.2, NM_001321337.2); c.527-1G>C (NM_001128085.1).
Identifiers: ClinVar variation 4818455 (VCV004818455.1).

ClinVar aggregate classification (germline): Likely pathogenic (1 of 4 stars; one submission).

Conditions:
Spongy degeneration of central nervous system. Also called: ACY2 DEFICIENCY; AMINOACYLASE 2 DEFICIENCY; ASP DEFICIENCY; ASPA DEFICIENCY; ASPARTOACYLASE DEFICIENCY; CANAVAN-VAN BOGAERT-BERTRAND DISEASE. Identifiers: Orphanet 141, MedGen C0206307, MONDO:0010079, OMIM 271900.

Submission:

Natera, Inc.
Classification: Likely pathogenic for Canavan Disease. Last evaluated: 2024-07-19. Review status: criteria provided, single submitter. Criteria: Natera Variant Classification Schema (03/2026). Collection method: clinical testing. Allele origin: germline.
Comment: The c.527-1G>C variant in ASPA is a canonical splice acceptor site variant predicted to affect pre-mRNA splicing, which may result in an abnormal transcript and altered protein product. This variant is expected to result in nonsense mediated decay, truncation, or a dysfunctional protein product. This variant is rare in the general population with a frequency below the threshold expected for the associated phenotype(s). Functional studies show that this variant may disrupt protein function (PMID: 16802711). Given the available evidence, this variant is classified as Likely Pathogenic.

Literature cited by the submitters: PubMed 16802711.